The following is an entry in ClinVar:

ClinVar aggregate classification (germline): Uncertain significance. Review status: criteria provided, multiple submitters, no conflicts (2 of 4 stars). 2 submissions from 2 submitters: Uncertain significance (2). Last evaluated 2021-08-20.

Submissions (2):

Blueprint Genetics
Classification: Uncertain significance. Last evaluated: 2021-08-20. Review status: criteria provided, single submitter. Criteria: ACMG Guidelines, 2015. Collection method: clinical testing. Allele origin: germline.

Labcorp Genetics (formerly Invitae), Labcorp
Classification: Uncertain significance. Last evaluated: 2019-09-26. Review status: criteria provided, single submitter. Criteria: Invitae Variant Classification Sherloc (09022015). Collection method: clinical testing. Allele origin: germline.
Comment: This sequence change replaces arginine with serine at codon 30 of the TULP1 protein (p.Arg30Ser). The arginine residue is weakly conserved and there is a moderate physicochemical difference between arginine and serine. This variant is not present in population databases (ExAC no frequency). This variant has not been reported in the literature in individuals with TULP1-related conditions. Algorithms developed to predict the effect of missense changes on protein structure and function are either unavailable or do not agree on the potential impact of this missense change (SIFT: "Deleterious"; PolyPhen-2: "Benign"; Align-GVGD: "Class C0"). In summary, the available evidence is currently insufficient to determine the role of this variant in disease. Therefore, it has been classified as a Variant of Uncertain Significance.

NM_003322.6(TULP1):c.88C>A (p.Arg30Ser)

Gene: TULP1 (TUB like protein 1; minus strand). Cytogenetic location: 6p21.31.
Variant type: single nucleotide variant.
Coding change: c.88C>A on transcript NM_003322.6 (MANE Select); coding-DNA position 88, C replaced by A.
Protein change: p.Arg30Ser; replaces arginine 30 with serine.
Molecular consequence: missense variant.
Genome position (GRCh38, 1-based): chr6:35,512,650, G>T on the plus strand (C>A on the coding strand, the complement: TULP1 is on the minus strand). VCF-style: chr6-35512650-G-T. GRCh37 (hg19) VCF-style: chr6-35480427-G-T.
Other names: c.88C>A, p.Arg30Ser (NM_001289395.2); short protein forms R30S.
Identifiers: ClinVar variation 964080 (VCV000964080.8), dbSNP rs1761235088, ClinGen allele CA363785271.
Genomic context (GRCh38, chr6:35,512,650, plus strand): 5'-CGCACAGCGGGGACATCTTTCTGCTTCCTTTCCAAGTGGGGTGGCATACCTGTTTGGGGC[G>T]CCGCGGGGCCTCCGGGCTCAGGCTTTCTTCTTCATGCCCACTGAGGGTAGCAAAGGGATC-3'
Protein context (NP_003313.3, residues 20-40): EESLSPEAPR[Arg30Ser]PKQRPAPAQR